The following is an entry in ClinVar:

NM_207352.4(CYP4V2):c.662G>A (p.Arg221His)

Gene: CYP4V2 (cytochrome P450 family 4 subfamily V member 2; plus strand). Cytogenetic location: 4q35.1.
Variant type: single nucleotide variant.
Coding change: c.662G>A on transcript NM_207352.4 (MANE Select); coding-DNA position 662, G replaced by A.
Protein change: p.Arg221His; replaces arginine 221 with histidine.
Molecular consequence: missense variant.
Genome position (GRCh38, 1-based): chr4:186,197,590, G>A. VCF-style: chr4-186197590-G-A. GRCh37 (hg19) VCF-style: chr4-187118744-G-A.
Other names: short protein forms R221H.
Identifiers: ClinVar variation 348306 (VCV000348306.8), dbSNP rs763083895, ClinGen allele CA3162618.
Genomic context (GRCh38, chr4:186,197,590, plus strand): 5'-TAGAAACAGCTATGGGGAAGAATATTGGTGCTCAAAGTAATGATGATTCCGAGTATGTCC[G>A]TGCAGTTTATAGGTAAATGGAGTCCTTTCAGTTATTTTAACAATTATTATTGATTTAGGC-3'
Protein context (NP_997235.3, residues 211-231): AQSNDDSEYV[Arg221His]AVYRMSEMIF

ClinVar aggregate classification (germline): Uncertain significance. Review status: criteria provided, multiple submitters, no conflicts (2 of 4 stars). 4 submissions from 3 submitters: Uncertain significance (4). Last evaluated 2024-02-21.

Conditions:
Inborn genetic diseases. Identifiers: MedGen C0950123, MeSH D030342.
Bietti crystalline corneoretinal dystrophy (BCD). Also called: Bietti Crystalline Dystrophy; BIETTI TAPETORETINAL DEGENERATION WITH MARGINAL CORNEAL DYSTROPHY. Identifiers: Orphanet 41751, MedGen C1859486, MONDO:0008865, OMIM 210370.
Corneal dystrophy. Identifiers: Orphanet 34533, MedGen C0010036, MONDO:0018102, HP:0001131.

Allele frequency attached by ClinVar (database versions not stated): gnomAD exomes 0.00003; TOPMed 0.00003; gnomAD 0.00004; ExAC 0.00008.

Submissions (4):

Ambry Genetics
Classification: Uncertain significance for Inborn genetic diseases. Last evaluated: 2024-02-21. Review status: criteria provided, single submitter. Criteria: Ambry Variant Classification Scheme 2023. Collection method: clinical testing. Allele origin: germline.

Labcorp Genetics (formerly Invitae), Labcorp
Classification: Uncertain significance. Last evaluated: 2022-11-22. Review status: criteria provided, single submitter. Criteria: Invitae Variant Classification Sherloc (09022015). Collection method: clinical testing. Allele origin: germline.
Comment: This variant is present in population databases (rs763083895, gnomAD 0.03%). In summary, the available evidence is currently insufficient to determine the role of this variant in disease. Therefore, it has been classified as a Variant of Uncertain Significance. Algorithms developed to predict the effect of missense changes on protein structure and function output the following: SIFT: "Tolerated"; PolyPhen-2: "Benign"; Align-GVGD: "Class C0". The histidine amino acid residue is found in multiple mammalian species, which suggests that this missense change does not adversely affect protein function. ClinVar contains an entry for this variant (Variation ID: 348306). This variant has not been reported in the literature in individuals affected with CYP4V2-related conditions. This sequence change replaces arginine, which is basic and polar, with histidine, which is basic and polar, at codon 221 of the CYP4V2 protein (p.Arg221His).

Illumina Laboratory Services, Illumina
Classification: Uncertain significance for Corneal dystrophy. Last evaluated: 2018-01-13. Review status: criteria provided, single submitter. Criteria: ICSL Variant Classification Criteria 13 December 2019. Collection method: clinical testing. Allele origin: germline.

Illumina Laboratory Services, Illumina
Classification: Uncertain significance for Bietti crystalline corneoretinal dystrophy. Last evaluated: 2018-01-13. Review status: criteria provided, single submitter. Criteria: ICSL Variant Classification Criteria 13 December 2019. Collection method: clinical testing. Allele origin: germline.